The following is an entry in ClinVar:

ClinVar aggregate classification (germline): Likely benign. Review status: criteria provided, multiple submitters, no conflicts (2 of 4 stars). 3 submissions from 3 submitters: Likely benign (3). Last evaluated 2025-10-20.

Conditions:
Developmental and epileptic encephalopathy, 8 (DEE8). Also called: HYPEREKPLEXIA AND EPILEPSY. Identifiers: Orphanet 163985, Orphanet 2076, MedGen C1845102, MONDO:0010375, OMIM 300607.

Allele frequency attached by ClinVar (database versions not stated): gnomAD exomes 0.00001; gnomAD 0.00005 and 0.00006; TOPMed 0.00006.
gnomAD v4.1: 20 of 1,205,680 alleles (0.0017%); highest among the groups gnomAD compares: Non-Finnish European, 0.0022%; no homozygotes.

Submissions (3):

Labcorp Genetics (formerly Invitae), Labcorp
Classification: Likely benign for Developmental and epileptic encephalopathy, 8. Last evaluated: 2025-10-20. Review status: criteria provided, single submitter. Criteria: Invitae Variant Classification Sherloc (09022015). Collection method: clinical testing. Allele origin: germline.

Blueprint Genetics
Classification: Likely benign. Last evaluated: 2022-01-03. Review status: criteria provided, single submitter. Criteria: ACMG Guidelines, 2015. Collection method: clinical testing. Allele origin: germline.

GeneDx
Classification: Likely benign. Last evaluated: 2016-06-28. Review status: criteria provided, single submitter. Criteria: GeneDx Variant Classification (06012015). Collection method: clinical testing. Allele origin: germline. Affected: yes.
Comment: This variant is considered likely benign or benign based on one or more of the following criteria: it is a conservative change, it occurs at a poorly conserved position in the protein, it is predicted to be benign by multiple in silico algorithms, and/or has population frequency not consistent with disease.

NM_001353921.2(ARHGEF9):c.777G>A (p.Gln259=)

Gene: ARHGEF9 (Cdc42 guanine nucleotide exchange factor 9; minus strand). Cytogenetic location: Xq11.1.
Variant type: single nucleotide variant.
Coding change: c.777G>A on transcript NM_001353921.2 (MANE Select); coding-DNA position 777, G replaced by A.
Protein change: p.Gln259=; no amino-acid change (glutamine 259 retained).
Molecular consequence: synonymous variant.
Genome position (GRCh38, 1-based): chrX:63,678,378, C>T on the plus strand (G>A on the coding strand, the complement: ARHGEF9 is on the minus strand). VCF-style: chrX-63678378-C-T. GRCh37 (hg19) VCF-style: chrX-62898258-C-T.
Other names: c.597G>A, p.Gln199= (NM_001173479.2); c.450G>A, p.Gln150= (NM_001173480.2, NM_001369042.1); c.693G>A, p.Gln231= (NM_001330495.2, NM_001353927.2, NM_001369033.1 and 8 more transcripts); c.777G>A, p.Gln259= (NM_001353922.2); c.795G>A, p.Gln265= (NM_001353923.1); c.576G>A, p.Gln192= (NM_001353924.2, NM_001353926.2, NM_001369039.1 and 1 more transcripts); c.756G>A, p.Gln252= (NM_001353928.2, NM_001369030.1, NM_001369031.1 and 2 more transcripts); c.342G>A, p.Gln114= (NM_001369045.1).
Identifiers: ClinVar variation 387246 (VCV000387246.10), dbSNP rs1057522740, ClinGen allele CA16608899.